The following is an entry in ClinVar:

ClinVar aggregate classification (germline): Likely benign (1 of 4 stars; one submission).

Allele frequency attached by ClinVar (database versions not stated): gnomAD 0.00005; ExAC 0.00007.
gnomAD v4.1: 79 of 1,614,056 alleles (0.0049%); highest among the groups gnomAD compares: East Asian, 0.045%; no homozygotes.

Submission:

CeGaT Center for Human Genetics Tuebingen
Classification: Likely benign. Last evaluated: 2024-05-01. Review status: criteria provided, single submitter. Criteria: CeGaT Center For Human Genetics Tuebingen Variant Classification Criteria Version 2. Collection method: clinical testing. Allele origin: germline. Affected: yes. Observed: 2 variant alleles.
Comment: ARHGEF10: BP4, BP7

NM_014629.4(ARHGEF10):c.2565C>T (p.Leu855=)

Gene: ARHGEF10 (Rho guanine nucleotide exchange factor 10; plus strand). Cytogenetic location: 8p23.3.
Variant type: single nucleotide variant.
Coding change: c.2565C>T on transcript NM_014629.4 (MANE Select); coding-DNA position 2565, C replaced by T.
Protein change: p.Leu855=; no amino-acid change (leucine 855 retained).
Molecular consequence: synonymous variant.
Genome position (GRCh38, 1-based): chr8:1,925,359, C>T. VCF-style: chr8-1925359-C-T. GRCh37 (hg19) VCF-style: chr8-1873525-C-T.
Other names: c.2451C>T, p.Leu817= (NM_001308152.2); c.2565C>T, p.Leu855= (NM_001308153.3).
Identifiers: ClinVar variation 3025748 (VCV003025748.22), dbSNP rs765880709, ClinGen allele CA4600922.